The following is an entry in ClinVar:

NM_152415.3(VPS37A):c.315+4T>G

Gene: VPS37A (VPS37A subunit of ESCRT-I; plus strand). Cytogenetic location: 8p22.
Variant type: single nucleotide variant.
Coding change: c.315+4T>G on transcript NM_152415.3 (MANE Select); 4 bases into the intron after coding-DNA position 315, T replaced by G.
Molecular consequence: intron variant.
Genome position (GRCh38, 1-based): chr8:17,268,376, T>G. VCF-style: chr8-17268376-T-G. GRCh37 (hg19) VCF-style: chr8-17125885-T-G.
Other names: c.45+4T>G (NM_001363172.2, NM_001363168.1, NM_001363170.1 and 2 more transcripts); c.315+4T>G (NM_001363173.2, NM_001363167.1); c.240+4T>G (NM_001145152.2).
Identifiers: ClinVar variation 3699388 (VCV003699388.2).

ClinVar aggregate classification (germline): Uncertain significance (1 of 4 stars; one submission).

Conditions:
Hereditary spastic paraplegia 53. Also called: Spastic paraplegia 53, autosomal recessive. Identifiers: Orphanet 319199, MedGen C3539494, MONDO:0013962, OMIM 614898.

gnomAD v4.1: 1 of 1,566,734 alleles (0.000064%); highest among the groups gnomAD compares: Admixed American, 0.0017%; no homozygotes.

Submission:

Labcorp Genetics (formerly Invitae), Labcorp
Classification: Uncertain significance for Hereditary spastic paraplegia 53. Last evaluated: 2025-07-07. Review status: criteria provided, single submitter. Criteria: Invitae Variant Classification Sherloc (09022015). Collection method: clinical testing. Allele origin: germline.
Comment: This sequence change falls in intron 3 of the VPS37A gene. It does not directly change the encoded amino acid sequence of the VPS37A protein. It affects a nucleotide within the consensus splice site. This variant is not present in population databases (gnomAD no frequency). This variant has not been reported in the literature in individuals affected with VPS37A-related conditions. ClinVar contains an entry for this variant (Variation ID: 3699388). Variants that disrupt the consensus splice site are a relatively common cause of aberrant splicing (PMID: 17576681, 9536098). Algorithms developed to predict the effect of sequence changes on RNA splicing suggest that this variant is not likely to affect RNA splicing. In summary, the available evidence is currently insufficient to determine the role of this variant in disease. Therefore, it has been classified as a Variant of Uncertain Significance.

Literature cited by the submitters: PubMed 17576681; PubMed 9536098.